The following is an entry in ClinVar:

NM_013386.5(SLC25A24):c.903_904dup (p.Ala302fs)

Gene: SLC25A24 (solute carrier family 25 member 24; minus strand). Cytogenetic location: 1p13.3.
Variant type: Duplication.
Coding change: c.903_904dup on transcript NM_013386.5 (MANE Select); coding-DNA positions 903 to 904, 2 bases duplicated (TG; older notation c.903_904dupTG).
Protein change: p.Ala302fs; shifts the reading frame from alanine 302.
Molecular consequence: frameshift variant.
Genome position (GRCh38, 1-based): chr1:108,148,305-108,148,306, CA duplicated on the plus strand (TG on the coding strand, the reverse complement: SLC25A24 is on the minus strand). VCF-style (leftmost placement, unchanged base first): chr1-108148304-G-GCA. GRCh37 (hg19) VCF-style: chr1-108690926-G-GCA.
Other names: c.846_847dup, p.Ala283fs (NM_213651.3); short protein forms A283fs, A302fs.
Identifiers: ClinVar variation 2964671 (VCV002964671.5), dbSNP rs745682105, ClinGen allele CA979158.

ClinVar aggregate classification (germline): Uncertain significance. Review status: criteria provided, multiple submitters, no conflicts (2 of 4 stars). 2 submissions from 2 submitters: Uncertain significance (2). Last evaluated 2025-10-17.

Allele frequency attached by ClinVar (database versions not stated): gnomAD 0.00005; 1000 Genomes Project 30x 0.00016; gnomAD exomes below 0.00001; TOPMed 0.00007; ExAC 0.00002.

Submissions (2):

Dasa
Classification: Uncertain significance. Last evaluated: 2025-10-17. Review status: criteria provided, single submitter. Criteria: DASA Assertion Criteria. Collection method: clinical testing. Allele origin: germline.
Comment: NM_013386.5(SLC25A24):c.903_904dup (p.Ala302Valfs*12) is a frameshift variant in SLC25A24 predicted to alter the reading frame and introduce a premature termination codon. This variant is rare in population databases. The currently available literature and clinical evidence are not sufficient to establish a definitive association between this variant and the reported condition. Therefore, this variant is classified as a variant of uncertain significance.

Labcorp Genetics (formerly Invitae), Labcorp
Classification: Uncertain significance. Last evaluated: 2024-09-05. Review status: criteria provided, single submitter. Criteria: Invitae Variant Classification Sherloc (09022015). Collection method: clinical testing. Allele origin: germline.
Comment: This sequence change creates a premature translational stop signal (p.Ala302Valfs*12) in the SLC25A24 gene. It is expected to result in an absent or disrupted protein product. However, the current clinical and genetic evidence is not sufficient to establish whether loss-of-function variants in SLC25A24 cause disease. This variant is present in population databases (rs745682105, gnomAD 0.02%). This variant has not been reported in the literature in individuals affected with SLC25A24-related conditions. In summary, the available evidence is currently insufficient to determine the role of this variant in disease. Therefore, it has been classified as a Variant of Uncertain Significance.